The following is an entry in ClinVar:

NM_000059.4(BRCA2):c.4899C>G (p.Ile1633Met)

Gene: BRCA2 (BRCA2 DNA repair associated; plus strand). Cytogenetic location: 13q13.1.
Variant type: single nucleotide variant.
Coding change: c.4899C>G on transcript NM_000059.4 (MANE Select); coding-DNA position 4899, C replaced by G.
Protein change: p.Ile1633Met; replaces isoleucine 1633 with methionine.
Molecular consequence: missense variant.
Genome position (GRCh38, 1-based): chr13:32,339,254, C>G. VCF-style: chr13-32339254-C-G. GRCh37 (hg19) VCF-style: chr13-32913391-C-G.
Other names: short protein forms I1633M.
Identifiers: ClinVar variation 860898 (VCV000860898.12), dbSNP rs1028371302, ClinGen allele CA247508612.

ClinVar aggregate classification (germline): Conflicting classifications of pathogenicity. Review status: criteria provided, conflicting classifications (1 of 4 stars). 3 submissions from 3 submitters: Uncertain significance (1); Likely benign (2). Last evaluated 2024-06-07.

Conditions:
Hereditary breast ovarian cancer syndrome. Also called: Hereditary breast and ovarian cancer; Breast and ovarian cancer; Hereditary breast and/or ovarian cancer syndrome; Hereditary breast and ovarian cancer syndrome; Hereditary breast and ovarian cancer syndrome (HBOC); BRCA1- and BRCA2-Associated Hereditary Breast and Ovarian Cancer. Identifiers: Orphanet 145, MedGen C0677776, MeSH D061325, MONDO:0003582. Disease mechanism: loss of function.
Hereditary cancer-predisposing syndrome. Also called: Tumor predisposition; Hereditary neoplastic syndrome; Neoplastic Syndromes, Hereditary; Hereditary Cancer Syndrome. Identifiers: Orphanet 140162, MedGen C0027672, MeSH D009386, MONDO:0015356.

Allele frequency attached by ClinVar (database versions not stated): TOPMed below 0.00001.

Submissions (3):

Ambry Genetics
Classification: Likely benign for Hereditary cancer-predisposing syndrome. Last evaluated: 2024-06-07. Review status: criteria provided, single submitter. Criteria: Ambry Variant Classification Scheme 2023. Collection method: clinical testing. Allele origin: germline.

Labcorp Genetics (formerly Invitae), Labcorp
Classification: Uncertain significance for Hereditary breast ovarian cancer syndrome. Last evaluated: 2024-02-07. Review status: criteria provided, single submitter. Criteria: Invitae Variant Classification Sherloc (09022015). Collection method: clinical testing. Allele origin: germline.
Comment: This sequence change replaces isoleucine, which is neutral and non-polar, with methionine, which is neutral and non-polar, at codon 1633 of the BRCA2 protein (p.Ile1633Met). This variant is not present in population databases (gnomAD no frequency). This missense change has been observed in individual(s) with clinical features of BRCA2-related conditions (PMID: 21520333). ClinVar contains an entry for this variant (Variation ID: 860898). Advanced modeling of protein sequence and biophysical properties (such as structural, functional, and spatial information, amino acid conservation, physicochemical variation, residue mobility, and thermodynamic stability) performed at Invitae indicates that this missense variant is not expected to disrupt BRCA2 protein function with a negative predictive value of 95%. In summary, the available evidence is currently insufficient to determine the role of this variant in disease. Therefore, it has been classified as a Variant of Uncertain Significance.

University of Washington Department of Laboratory Medicine, University of Washington
Classification: Likely benign for Hereditary cancer-predisposing syndrome. Last evaluated: 2023-03-23. Review status: criteria provided, single submitter. Criteria: Dines et al. (Genet Med. 2020). Collection method: curation. Allele origin: germline.
Comment: Missense variant in a coldspot region where missense variants are very unlikely to be pathogenic (PMID:31911673).

BRCA2 exon 11 coldspot. Reclassification based on statistical prior probability.

Literature cited by the submitters: PubMed 21520333 (cited by Labcorp Genetics (formerly Invitae), Labcorp).